The following is an entry in ClinVar:

ClinVar aggregate classification (germline): Uncertain significance (1 of 4 stars; one submission).

Submission:

Labcorp Genetics (formerly Invitae), Labcorp
Classification: Uncertain significance. Last evaluated: 2022-09-27. Review status: criteria provided, single submitter. Criteria: Invitae Variant Classification Sherloc (09022015). Collection method: clinical testing. Allele origin: germline.
Comment: Algorithms developed to predict the effect of sequence changes on RNA splicing suggest that this variant may create or strengthen a splice site. Advanced modeling of protein sequence and biophysical properties (such as structural, functional, and spatial information, amino acid conservation, physicochemical variation, residue mobility, and thermodynamic stability) performed at Invitae indicates that this missense variant is not expected to disrupt PCDH15 protein function. This variant has not been reported in the literature in individuals affected with PCDH15-related conditions. This variant is not present in population databases (gnomAD no frequency). This sequence change replaces aspartic acid, which is acidic and polar, with tyrosine, which is neutral and polar, at codon 1272 of the PCDH15 protein (p.Asp1272Tyr). In summary, the available evidence is currently insufficient to determine the role of this variant in disease. Therefore, it has been classified as a Variant of Uncertain Significance.

NM_001384140.1(PCDH15):c.3814G>T (p.Asp1272Tyr)

Gene: PCDH15 (protocadherin related 15; minus strand). Cytogenetic location: 10q21.1.
Variant type: single nucleotide variant.
Coding change: c.3814G>T on transcript NM_001384140.1 (MANE Select); coding-DNA position 3814, G replaced by T.
Protein change: p.Asp1272Tyr; replaces aspartic acid 1272 with tyrosine.
Molecular consequence: missense variant.
Genome position (GRCh38, 1-based): chr10:53,840,489, C>A on the plus strand (G>T on the coding strand, the complement: PCDH15 is on the minus strand). VCF-style: chr10-53840489-C-A. GRCh37 (hg19) VCF-style: chr10-55600249-C-A.
Other names: c.3829G>T, p.Asp1277Tyr (NM_001142763.2, NM_001142771.2); c.3814G>T, p.Asp1272Tyr (NM_001142764.2, NM_001142766.2, NM_001142770.3 and 4 more transcripts); c.3601G>T, p.Asp1201Tyr (NM_001142765.2); c.3703G>T, p.Asp1235Tyr (NM_001142767.2); c.3748G>T, p.Asp1250Tyr (NM_001142768.2, NM_001142773.2, NM_001354404.2); c.3850G>T, p.Asp1284Tyr (NM_001142769.4); c.3835G>T, p.Asp1279Tyr (NM_001354411.2); short protein forms D1284Y, D1250Y, D1277Y, D1201Y, D1272Y, D1279Y, D1235Y.
Identifiers: ClinVar variation 2006198 (VCV002006198.4), dbSNP rs766636473, ClinGen allele CA376529003.